The following is an entry in ClinVar:

ClinVar aggregate classification (germline): Uncertain significance (1 of 4 stars; one submission).

Conditions:
Hereditary pancreatitis (PCTT). Also called: Hereditary chronic pancreatitis; PRSS1-Related Hereditary Pancreatitis. Identifiers: Orphanet 676, MedGen C0238339, MONDO:0008185, OMIM 167800.

Submission:

Ambry Genetics
Classification: Uncertain significance for Hereditary pancreatitis. Last evaluated: 2021-11-06. Review status: criteria provided, single submitter. Criteria: Ambry Variant Classification Scheme 2023. Collection method: clinical testing. Allele origin: germline.
Comment: The p.G260V variant (also known as c.779G>T), located in coding exon 7 of the CPA1 gene, results from a G to T substitution at nucleotide position 779. The glycine at codon 260 is replaced by valine, an amino acid with dissimilar properties. This amino acid position is conserved. In addition, this alteration is predicted to be tolerated by in silico analysis. Since supporting evidence is limited at this time, the clinical significance of this alteration remains unclear.

NM_001868.4(CPA1):c.779G>T (p.Gly260Val)

Gene: CPA1 (carboxypeptidase A1; plus strand). Cytogenetic location: 7q32.2.
Variant type: single nucleotide variant.
Coding change: c.779G>T on transcript NM_001868.4 (MANE Select); coding-DNA position 779, G replaced by T.
Protein change: p.Gly260Val; replaces glycine 260 with valine.
Molecular consequence: missense variant.
Genome position (GRCh38, 1-based): chr7:130,384,618, G>T. VCF-style: chr7-130384618-G-T. GRCh37 (hg19) VCF-style: chr7-130024459-G-T.
Other names: short protein forms G260V.
Identifiers: ClinVar variation 1760670 (VCV001760670.2), dbSNP rs1554411743, ClinGen allele CA369283056.
Genomic context (GRCh38, chr7:130,384,618, plus strand): 5'-GGTCCCACACAGCAGGCTCCCTCTGTATTGGCGTGGACCCCAACAGGAACTGGGACGCTG[G>T]CTTTGGGTGTAAGGCCCAGAGTGTCTTGGGAGCAAGGATGGGATGGCCTCGAATGGCTCC-3'
Protein context (NP_001859.1, residues 250-270): GVDPNRNWDA[Gly260Val]FGLSGASSNP